The following is an entry in ClinVar:

NM_002471.4(MYH6):c.3010G>T (p.Ala1004Ser)

Gene: MYH6 (myosin heavy chain 6; minus strand). Cytogenetic location: 14q11.2.
Variant type: single nucleotide variant.
Coding change: c.3010G>T on transcript NM_002471.4 (MANE Select); coding-DNA position 3010, G replaced by T.
Protein change: p.Ala1004Ser; replaces alanine 1004 with serine.
Molecular consequence: missense variant.
Genome position (GRCh38, 1-based): chr14:23,393,437, C>A on the plus strand (G>T on the coding strand, the complement: MYH6 is on the minus strand). VCF-style: chr14-23393437-C-A. GRCh37 (hg19) VCF-style: chr14-23862646-C-A.
Other names: short protein forms A1004S.
Identifiers: ClinVar variation 14151 (VCV000014151.74), dbSNP rs143978652, ClinGen allele CA134311.
Genomic context (GRCh38, chr14:23,393,437, plus strand): 5'-TGGACAGGCTGTTGACCTTGTCTTCCTCAACCTGAAGGTCATCCAGGGCCTGCTGATGGG[C>A]CTCTTGTAGAGCTTTCTTCTCCTTGGTCAGCTTAGCGATGATTTCATCCAGCCCAGCCAT-3'
Protein context (NP_002462.2, residues 994-1014): LTKEKKALQE[Ala1004Ser]HQQALDDLQV

ClinVar aggregate classification (germline): Conflicting classifications of pathogenicity. Review status: criteria provided, conflicting classifications (1 of 4 stars). 24 submissions from 24 submitters: Uncertain significance (2); Likely benign (13). 9 of the submissions do not count toward it. Last evaluated 2026-06-01.

Conditions:
Ventricular tachycardia. Identifiers: MedGen C0042514, MONDO:0005477, HP:0004756.
Primary dilated cardiomyopathy (DCM). Also called: Dilated Cardiomyopathy. Identifiers: Orphanet 217604, MedGen C0007193, MeSH D002311, MONDO:0005021, HP:0001644. Inheritance: Various modes of inheritance.
Cardiovascular phenotype. Identifiers: MedGen CN230736.
Cardiomyopathy (CMYO). Also called: Cardiomyopathies. Identifiers: Orphanet 167848, MedGen C0878544, MONDO:0004994, HP:0001638. Inheritance: Various modes of inheritance.
Hypertrophic cardiomyopathy 14. Identifiers: MedGen C2750467, MONDO:0013197, OMIM 613251.
Dilated cardiomyopathy 1EE (CMD1EE). Identifiers: Orphanet 154, MedGen C2750466, MONDO:0013198, OMIM 613252.
Wolff-Parkinson-White pattern. Also called: WPW SYNDROME; Auriculoventricular accessory pathway syndrome; False bundle branch block syndrome; Anomalous ventricular excitation syndrome. Identifiers: MedGen C0043202, MONDO:0008685, OMIM 194200, HP:0001716.
Hypertrophic cardiomyopathy. Also called: HYPERTROPHIC MYOCARDIOPATHY. Identifiers: Orphanet 217569, MedGen C0007194, MeSH D002312, MONDO:0005045, HP:0001639.

Allele frequency attached by ClinVar (database versions not stated): TOPMed 0.00123; ExAC 0.00098; gnomAD 0.00109 and 0.00110; 1000 Genomes Project 0.00060; 1000 Genomes Project 30x 0.00062; ESP Exome Variant Server 0.00092.
gnomAD v4.1: 1,769 of 1,614,160 alleles (0.11%); highest among the groups gnomAD compares: Admixed American, 0.22%; 2 homozygotes.

Submissions 1 to 17 of 24:

CeGaT Center for Human Genetics Tuebingen
Classification: Likely benign. Last evaluated: 2026-06-01. Review status: criteria provided, single submitter. Criteria: CeGaT Center For Human Genetics Tuebingen Variant Classification Criteria Version 2. Collection method: clinical testing. Allele origin: germline. Affected: yes. Observed: 6 variant alleles.
Comment: MYH6: BS1

Women's Health and Genetics/Laboratory Corporation of America, LabCorp
Classification: Likely benign. Last evaluated: 2026-02-09. Review status: criteria provided, single submitter. Criteria: LabCorp Variant Classification Summary - May 2015. Collection method: clinical testing. Allele origin: germline.
Comment: Variant summary: MYH6 c.3010G>T (p.Ala1004Ser) results in a conservative amino acid change located in the Myosin tail domain (IPR002928) of the encoded protein sequence. Algorithms developed to predict the effect of missense changes on protein structure and function are either unavailable or do not agree on the potential impact of this missense change. The variant allele was found at a frequency of 0.00093 in 251486 control chromosomes, predominantly at a frequency of 0.0021 within the Latino subpopulation in the gnomAD database. The observed variant frequency within Latino control individuals in the gnomAD database exceeds the estimated maximal expected allele frequency for disease-causing variants in MYH6. c.3010G>T has been reported in the literature in sequencing studies among individuals affected with Cardiomyopathy (Carniel_2005, Brion_2009, Brion_2012, Hershberger_2010, Posch_2011, Waldmuller_2010, Merlo_2013). These data indicate that the variant may be associated with disease. At-least one co-occurrence with other pathogenic variant(s) has been reported (MYH7 c.1988G>A, p.R663H), providing supporting evidence for a benign role (Waldmuller_2010)To our knowledge, no experimental evidence demonstrating an impact on protein function has been reported. The following publications have been ascertained in the context of this evaluation (PMID: 22361390, 15998695, 20215591, 24119082, 22194935). ClinVar contains an entry for this variant (Variation ID: 14151). Based on the evidence outlined above, the variant was classified as likely benign.

Labcorp Genetics (formerly Invitae), Labcorp
Classification: Likely benign for Hypertrophic cardiomyopathy 14. Last evaluated: 2026-02-01. Review status: criteria provided, single submitter. Criteria: Invitae Variant Classification Sherloc (09022015). Collection method: clinical testing. Allele origin: germline.

Victorian Clinical Genetics Services, Murdoch Childrens Research Institute
Classification: Likely benign for Hypertrophic cardiomyopathy 14. Last evaluated: 2026-01-19. Review status: criteria provided, single submitter. Criteria: ACMG Guidelines, 2015. Collection method: clinical testing. Allele origin: germline. Affected: yes.
Comment: This variant is classified as Likely benign. Evidence in support of benign classification: Population frequency for this variant is out of keeping with known incidence of hypertrophic cardiomyopathy 14 (MIM#613251); This variant has strong previous evidence of being benign in unrelated individuals. This variant has been classified as likely benign by multiple clinical laboratories (ClinVar). Additional information: Variant is predicted to result in a missense amino acid change from Ala to Ser; This variant is heterozygous; This gene is associated with autosomal dominant disease; Alternative amino acid change(s) at the same position are present in gnomAD (highest allele count: v4: 2 heterozygote(s), 0 homozygote(s)); Variant is located in the annotated myosin tail 1 domain (DECIPHER); Missense variant with inconclusive in silico prediction and/or uninformative conservation; The mechanism of disease for this gene is not clearly established, however gain of function has been suggested (PMID: 20656787); The condition associated with this gene has incomplete penetrance (PMID: 22194935); Variants in this gene are known to have variable expressivity (PMID: 22194935); Inheritance information for this variant is not currently available in this individual.

ARUP Laboratories, Molecular Genetics and Genomics, ARUP Laboratories
Classification: Likely benign. Last evaluated: 2025-03-27. Review status: criteria provided, single submitter. Criteria: ARUP Molecular Germline Variant Investigation Process 2024. Collection method: clinical testing. Allele origin: germline.

Blueprint Genetics
Classification: Likely benign. Last evaluated: 2024-09-03. Review status: criteria provided, single submitter. Criteria: ACMG Guidelines, 2015. Collection method: clinical testing. Allele origin: germline.

Scripps Translational Science Institute, Scripps Health and The Scripps Research Institute
Classification: Uncertain significance for Hypertrophic cardiomyopathy 14. Last evaluated: 2024-07-24. Review status: criteria provided, single submitter. Criteria: STSI Molecular Autopsy Criteria. Collection method: research. Allele origin: germline. Affected: yes. Observed: 1 variant allele, 1 heterozygote. Study: Molecular Autopsy.

CHEO Genetics Diagnostic Laboratory, Children's Hospital of Eastern Ontario
Classification: Likely benign for Cardiomyopathy. Last evaluated: 2019-03-22. Review status: criteria provided, single submitter. Criteria: ACMG Guidelines, 2015. Collection method: clinical testing. Allele origin: germline.

Center for Advanced Laboratory Medicine, UC San Diego Health, University of California San Diego
Classification: Likely benign for Ventricular tachycardia; Dilated cardiomyopathy. Last evaluated: 2019-03-04. Review status: criteria provided, single submitter. Criteria: ACMG Guidelines, 2015. Collection method: clinical testing. Allele origin: germline. Affected: yes. Observed: 2 variant alleles.

Ambry Genetics
Classification: Likely benign for Cardiovascular phenotype. Last evaluated: 2019-03-01. Review status: criteria provided, single submitter. Criteria: Ambry Variant Classification Scheme 2023. Collection method: clinical testing. Allele origin: germline.

GeneDx
Classification: Likely benign. Last evaluated: 2017-09-08. Review status: criteria provided, single submitter. Criteria: GeneDx Variant Classification (06012015). Collection method: clinical testing. Allele origin: germline. Affected: yes.
Comment: This variant is considered likely benign or benign based on one or more of the following criteria: it is a conservative change, it occurs at a poorly conserved position in the protein, it is predicted to be benign by multiple in silico algorithms, and/or has population frequency not consistent with disease.

Laboratory for Molecular Medicine, Mass General Brigham Personalized Medicine
Classification: Likely benign. Last evaluated: 2015-07-16. Review status: criteria provided, single submitter. Criteria: LMM Criteria. Collection method: clinical testing. Allele origin: germline. Observed: 2 variant alleles.
Comment: p.Ala1004Ser in exon 23 of MYH6: This variant is not expected to have clinical s ignificance because it has been identified in 0.3% (31/11578) of Latino chromoso mes by the Exome Aggregation Consortium (ExAC; d bSNP rs143978652).

Biesecker Lab/Clinical Genomics Section, National Institutes of Health
Classification: Likely benign for Cardiomyopathy, dilated. Last evaluated: 2013-06-24. Review status: criteria provided, single submitter. Criteria: Ng et al. (Circ Cardiovasc Genet. 2013). Collection method: research. Allele origin: unknown. Observed: 4 variant alleles. Study: ClinSeq.
Comment: The study set was not selected for affection status in relation to any cancer. Pathogenicity categories were based on literature curation. See Pubmed ID:23861362 for details.

Medical sequencing

Eurofins Ntd Llc (ga)
Classification: Uncertain significance. Last evaluated: 2013-06-11. Review status: criteria provided, single submitter. Criteria: EGL Classification Definitions 2015. Collection method: clinical testing. Allele origin: germline. Observed: 1 variant allele, 1 heterozygote.

PreventionGenetics, part of Exact Sciences
Classification: Likely benign. Review status: criteria provided, single submitter. Criteria: ACMG Guidelines, 2015. Collection method: clinical testing. Allele origin: germline.

Clinical Genetics DNA and cytogenetics Diagnostics Lab, Erasmus MC, Erasmus Medical Center
Classification: Likely benign. Review status: no assertion criteria provided. Collection method: clinical testing. Allele origin: germline. Affected: yes. Study: VKGL Data-share Consensus. Not counted in ClinVar's aggregate classification.

Clinical Genetics, Academic Medical Center
Classification: Likely benign. Review status: no assertion criteria provided. Collection method: clinical testing. Allele origin: germline. Affected: yes. Study: VKGL Data-share Consensus. Not counted in ClinVar's aggregate classification.